The following is an entry in ClinVar:

NC_012920.1(MT-TD):m.7519del

Variant type: Deletion.
Genome position: chrM-7514-CA-C.
Identifiers: ClinVar variation 930486 (VCV000930486.3), dbSNP rs2068703930, ClinGen allele CA1139667046.

ClinVar aggregate classification (germline): Uncertain significance (1 of 4 stars; one submission).

Submission:

Centre for Mendelian Genomics, University Medical Centre Ljubljana
Classification: Uncertain significance. Last evaluated: 2019-07-02. Review status: criteria provided, single submitter. Criteria: ACMG Guidelines, 2015. Collection method: clinical testing. Allele origin: unknown. Affected: yes.
Comment: This variant was classified as: Uncertain significance. The available evidence on this variant's pathogenicity is insufficient or conflicting. The following ACMG criteria were applied in classifying this variant: No criteria apply. This variant was detected in homozygous state.